The following is an entry in ClinVar:

NM_001253697.2(ERBIN):c.3349C>T (p.Pro1117Ser)

Gene: ERBIN (erbb2 interacting protein; plus strand). Cytogenetic location: 5q12.3.
Variant type: single nucleotide variant.
Coding change: c.3349C>T on transcript NM_001253697.2 (MANE Select); coding-DNA position 3349, C replaced by T.
Protein change: p.Pro1117Ser; replaces proline 1117 with serine.
Molecular consequence: missense variant.
Genome position (GRCh38, 1-based): chr5:66,054,667, C>T. VCF-style: chr5-66054667-C-T. GRCh37 (hg19) VCF-style: chr5-65350495-C-T.
Other names: c.3349C>T, p.Pro1117Ser (NM_001006600.3, NM_001253698.2, NM_001253699.2 and 1 more transcripts); c.3337C>T, p.Pro1113Ser (NM_001253701.2); short protein forms P1117S, P1113S.
Identifiers: ClinVar variation 3725529 (VCV003725529.2).

ClinVar aggregate classification (germline): Uncertain significance (1 of 4 stars; one submission).

Submission:

Labcorp Genetics (formerly Invitae), Labcorp
Classification: Uncertain significance. Last evaluated: 2025-11-10. Review status: criteria provided, single submitter. Criteria: Invitae Variant Classification Sherloc (09022015). Collection method: clinical testing. Allele origin: germline.
Comment: This sequence change replaces proline, which is neutral and non-polar, with serine, which is neutral and polar, at codon 1117 of the ERBIN protein (p.Pro1117Ser). This variant is not present in population databases (gnomAD no frequency). This variant has not been reported in the literature in individuals affected with ERBIN-related conditions. ClinVar contains an entry for this variant (Variation ID: 3725529). An algorithm developed to predict the effect of missense changes on protein structure and function (PolyPhen-2) suggests that this variant is likely to be tolerated. In summary, the available evidence is currently insufficient to determine the role of this variant in disease. Therefore, it has been classified as a Variant of Uncertain Significance.